The following is an entry in ClinVar:

NM_033305.3(VPS13A):c.2824+1G>A

Gene: VPS13A (vacuolar protein sorting 13 homolog A; plus strand). Cytogenetic location: 9q21.2.
Variant type: single nucleotide variant.
Coding change: c.2824+1G>A on transcript NM_033305.3 (MANE Select); the canonical splice donor site of the intron after coding-DNA position 2824, G replaced by A.
Molecular consequence: splice donor variant.
Genome position (GRCh38, 1-based): chr9:77,276,222, G>A. VCF-style: chr9-77276222-G-A. GRCh37 (hg19) VCF-style: chr9-79891138-G-A.
Other names: c.2824+1G>A (NM_001018037.2, NM_015186.4, NM_001018038.3).
Identifiers: ClinVar variation 2046164 (VCV002046164.5), dbSNP rs2537816494, ClinGen allele CA373845161.
Genomic context (GRCh38, chr9:77,276,222, plus strand): 5'-ACGATTTGAAAGCAAATGCCTTTTTGAAAGAGTTCTGCTTAAAATGCCCAGAATACTTGG[G>A]TAAGAATCTCTATTTTTTAAAATAAATAAATTAATTTCATTGTTTGACTACCTGCTAGAG-3'

ClinVar aggregate classification (germline): Pathogenic (1 of 4 stars; one submission).

Submission:

Labcorp Genetics (formerly Invitae), Labcorp
Classification: Pathogenic. Last evaluated: 2021-12-18. Review status: criteria provided, single submitter. Criteria: Invitae Variant Classification Sherloc (09022015). Collection method: clinical testing. Allele origin: germline.
Comment: For these reasons, this variant has been classified as Pathogenic. Algorithms developed to predict the effect of sequence changes on RNA splicing suggest that this variant may disrupt the consensus splice site. Disruption of this splice site has been observed in individual(s) with chorea-acanthocytosis (PMID: 31192303). This variant is not present in population databases (gnomAD no frequency). This sequence change affects a donor splice site in intron 26 of the VPS13A gene. It is expected to disrupt RNA splicing. Variants that disrupt the donor or acceptor splice site typically lead to a loss of protein function (PMID: 16199547), and loss-of-function variants in VPS13A are known to be pathogenic (PMID: 12404112, 21598378).

Literature cited by the submitters: PubMed 31192303; PubMed 16199547; PubMed 12404112; PubMed 21598378.